The following is an entry in ClinVar:

ClinVar aggregate classification (germline): Conflicting classifications of pathogenicity. Review status: criteria provided, conflicting classifications (1 of 4 stars). 2 submissions from 2 submitters: Uncertain significance (1); Likely benign (1). Last evaluated 2023-03-23.

Conditions:
Hereditary cancer-predisposing syndrome. Also called: Neoplastic Syndromes, Hereditary; Tumor predisposition; Hereditary Cancer Syndrome; Hereditary neoplastic syndrome. Identifiers: Orphanet 140162, MedGen C0027672, MeSH D009386, MONDO:0015356.

Submissions (2):

University of Washington Department of Laboratory Medicine, University of Washington
Classification: Likely benign for Hereditary cancer-predisposing syndrome. Last evaluated: 2023-03-23. Review status: criteria provided, single submitter. Criteria: Dines et al. (Genet Med. 2020). Collection method: curation. Allele origin: germline.
Comment: Missense variant in a coldspot region where missense variants are very unlikely to be pathogenic (PMID:31911673).

BRCA2 exon 11 coldspot. Reclassification based on statistical prior probability.

Ambry Genetics
Classification: Uncertain significance for Hereditary cancer-predisposing syndrome. Last evaluated: 2014-12-24. Review status: criteria provided, single submitter. Criteria: Ambry Variant Classification Scheme 2023. Collection method: clinical testing. Allele origin: germline.
Comment: The p.T2125I variant (also known as c.6374C>T and 6602C>T), located in coding exon 10 of the BRCA2 gene, results from a C to T substitution at nucleotide position 6374. The threonine at codon 2125 is replaced by isoleucine, an amino acid with similar properties. This variant was not reported in population based cohorts in the following databases: Database of Single Nucleotide Polymorphisms (dbSNP), NHLBI Exome Sequencing Project (ESP), and 1000 Genomes Project. In the ESP, this variant was not observed in 6490 samples (12980 alleles) with coverage at this position. To date, this alteration has been detected with an allele frequency of approximately 0.001% (greater than 105,000 alleles tested) in our clinical cohort. This amino acid position is poorly conserved in available vertebrate species. In addition, this alteration is predicted to be tolerated by in silico analysis. Since supporting evidence is limited at this time, the clinical significance of p.T2125I remains unclear.

NM_000059.4(BRCA2):c.6374C>T (p.Thr2125Ile)

Gene: BRCA2 (BRCA2 DNA repair associated; plus strand). Cytogenetic location: 13q13.1.
Variant type: single nucleotide variant.
Coding change: c.6374C>T on transcript NM_000059.4 (MANE Select); coding-DNA position 6374, C replaced by T.
Protein change: p.Thr2125Ile; replaces threonine 2125 with isoleucine.
Molecular consequence: missense variant.
Genome position (GRCh38, 1-based): chr13:32,340,729, C>T. VCF-style: chr13-32340729-C-T. GRCh37 (hg19) VCF-style: chr13-32914866-C-T.
Other names: short protein forms T2125I.
Identifiers: ClinVar variation 187545 (VCV000187545.7), dbSNP rs776937022, ClinGen allele CA023963.